The following is an entry in ClinVar:

ClinVar aggregate classification (germline): Pathogenic. Review status: criteria provided, multiple submitters, no conflicts (2 of 4 stars). 3 submissions from 3 submitters: Pathogenic (3). Last evaluated 2024-05-20.

Conditions:
Hereditary cancer-predisposing syndrome. Also called: Hereditary Cancer Syndrome; Neoplastic Syndromes, Hereditary; Hereditary neoplastic syndrome; Tumor predisposition. Identifiers: Orphanet 140162, MedGen C0027672, MeSH D009386, MONDO:0015356.
Retinoblastoma (RB1). Also called: RETINOBLASTOMA, SOMATIC. Identifiers: Orphanet 790, MedGen C0035335, MeSH D012175, MONDO:0008380, OMIM 180200, HP:0009919. Disease mechanism: loss of function. Inheritance: Both sporadic and heritable forms are tested..

Submissions (3):

Genetic Diagnostic Laboratory, University of Pennsylvania School of Medicine
Classification: Pathogenic for Retinoblastoma. Last evaluated: 2024-05-20. Review status: criteria provided, single submitter. Criteria: ACMG Guidelines, 2015. Collection method: clinical testing. Allele origin: germline. Affected: yes. Observed: 1 variant allele.
Comment: Case and Pedigree Information: BILATERAL CASES:1, UNILATERAL CASES:0, TOTAL CASES:1, PEDIGREES:1. ACMG Codes Applied:PVS1, PM2

Labcorp Genetics (formerly Invitae), Labcorp
Classification: Pathogenic for Retinoblastoma. Last evaluated: 2019-10-27. Review status: criteria provided, single submitter. Criteria: Invitae Variant Classification Sherloc (09022015). Collection method: clinical testing. Allele origin: germline.
Comment: This sequence change creates a premature translational stop signal (p.Ser834*) in the RB1 gene. It is expected to result in an absent or disrupted protein product. This variant is not present in population databases (ExAC no frequency). This variant has been observed in individual(s) with retinoblastoma (PMID: 24791139). ClinVar contains an entry for this variant (Variation ID: 428733). Loss-of-function variants in RB1 are known to be pathogenic (PMID: 17096365). For these reasons, this variant has been classified as Pathogenic.

Ambry Genetics
Classification: Pathogenic for Hereditary cancer-predisposing syndrome. Last evaluated: 2017-05-12. Review status: criteria provided, single submitter. Criteria: Ambry Variant Classification Scheme 2023. Collection method: clinical testing. Allele origin: germline.
Comment: The p.S834* pathogenic mutation (also known as c.2501C>A), located in coding exon 24 of the RB1 gene, results from a C to A substitution at nucleotide position 2501. This changes the amino acid from a serine to a stop codon within coding exon 24. In addition to the clinical data presented in the literature, this alteration is expected to result in loss of function by premature protein truncation or nonsense-mediated mRNA decay. As such, this alteration is interpreted as a disease-causing mutation.

Literature cited by the submitters: PubMed 24791139 (cited by Labcorp Genetics (formerly Invitae), Labcorp and Ambry Genetics); PubMed 17096365 (cited by Labcorp Genetics (formerly Invitae), Labcorp).

NM_000321.3(RB1):c.2501C>A (p.Ser834Ter)

Gene: RB1 (RB transcriptional corepressor 1; plus strand). Cytogenetic location: 13q14.2.
Variant type: single nucleotide variant.
Coding change: c.2501C>A on transcript NM_000321.3 (MANE Select); coding-DNA position 2501, C replaced by A.
Protein change: p.Ser834Ter; replaces serine 834 with a stop codon.
Molecular consequence: nonsense.
Genome position (GRCh38, 1-based): chr13:48,473,371, C>A. VCF-style: chr13-48473371-C-A. GRCh37 (hg19) VCF-style: chr13-49047507-C-A.
Other names: short protein forms S834*.
Identifiers: ClinVar variation 428733 (VCV000428733.16), dbSNP rs1131690906, ClinGen allele CA388168125.